The following is an entry in ClinVar:

NM_002032.3(FTH1):c.249T>G (p.Leu83=)

Genes: BEST1 (bestrophin 1; plus strand), FTH1 (ferritin heavy chain 1; minus strand). Cytogenetic location: 11q12.3.
Variant type: single nucleotide variant.
Coding change: c.249T>G on transcript NM_002032.3 (MANE Select); coding-DNA position 249, T replaced by G.
Protein change: p.Leu83=; no amino-acid change (leucine 83 retained).
Molecular consequence: synonymous variant.
Genome position (GRCh38, 1-based): chr11:61,965,381, A>C on the plus strand (T>G on the coding strand, the complement: FTH1 is on the minus strand). VCF-style: chr11-61965381-A-C. GRCh37 (hg19) VCF-style: chr11-61732853-A-C.
Identifiers: ClinVar variation 2049826 (VCV002049826.11), dbSNP rs41453449, ClinGen allele CA6041289.

ClinVar aggregate classification (germline): Benign/Likely benign. Review status: criteria provided, multiple submitters, no conflicts (2 of 4 stars). 2 submissions from 2 submitters: Benign (1); Likely benign (1). Last evaluated 2025-10-27.

Allele frequency attached by ClinVar (database versions not stated): gnomAD exomes 0.00028; ExAC 0.00102; gnomAD 0.00301; TOPMed 0.00332; ESP Exome Variant Server 0.00347; 1000 Genomes Project 0.00419; 1000 Genomes Project 30x 0.00484.
gnomAD v4.1: 888 of 1,613,314 alleles (0.055%); highest among the groups gnomAD compares: African/African-American, 1%; 5 homozygotes.

Submissions (2):

Labcorp Genetics (formerly Invitae), Labcorp
Classification: Benign. Last evaluated: 2025-10-27. Review status: criteria provided, single submitter. Criteria: Invitae Variant Classification Sherloc (09022015). Collection method: clinical testing. Allele origin: germline.

CeGaT Center for Human Genetics Tuebingen
Classification: Likely benign. Last evaluated: 2025-08-01. Review status: criteria provided, single submitter. Criteria: CeGaT Center For Human Genetics Tuebingen Variant Classification Criteria Version 2. Collection method: clinical testing. Allele origin: germline. Affected: yes. Observed: 1 variant allele.
Comment: FTH1: BP4, BP7, BS1